The following is an entry in ClinVar:

ClinVar aggregate classification (germline): Uncertain significance. Review status: criteria provided, multiple submitters, no conflicts (2 of 4 stars). 2 submissions from 2 submitters: Uncertain significance (2). Last evaluated 2023-07-26.

gnomAD v4.1: 24 of 1,610,752 alleles (0.0015%); highest among the groups gnomAD compares: Middle Eastern, 0.017%; no homozygotes.

Submissions (2):

Blueprint Genetics
Classification: Uncertain significance. Last evaluated: 2023-07-26. Review status: criteria provided, single submitter. Criteria: ACMG Guidelines, 2015. Collection method: clinical testing. Allele origin: germline.

Labcorp Genetics (formerly Invitae), Labcorp
Classification: Uncertain significance. Last evaluated: 2022-07-01. Review status: criteria provided, single submitter. Criteria: Invitae Variant Classification Sherloc (09022015). Collection method: clinical testing. Allele origin: germline.
Comment: This sequence change replaces alanine, which is neutral and non-polar, with threonine, which is neutral and polar, at codon 212 of the CERKL protein (p.Ala212Thr). This variant is present in population databases (rs757547517, gnomAD 0.002%). This variant has not been reported in the literature in individuals affected with CERKL-related conditions. ClinVar contains an entry for this variant (Variation ID: 1499858). Algorithms developed to predict the effect of missense changes on protein structure and function are either unavailable or do not agree on the potential impact of this missense change (SIFT: "Deleterious"; PolyPhen-2: "Possibly Damaging"; Align-GVGD: "Class C0"). In summary, the available evidence is currently insufficient to determine the role of this variant in disease. Therefore, it has been classified as a Variant of Uncertain Significance.

NM_201548.5(CERKL):c.634G>A (p.Ala212Thr)

Gene: CERKL (CERK like autophagy regulator; minus strand). Cytogenetic location: 2q31.3.
Variant type: single nucleotide variant.
Coding change: c.634G>A on transcript NM_201548.5 (MANE Select); coding-DNA position 634, G replaced by A.
Protein change: p.Ala212Thr; replaces alanine 212 with threonine.
Molecular consequence: missense variant. On other transcripts: intron variant (2).
Genome position (GRCh38, 1-based): chr2:181,566,101, C>T on the plus strand (G>A on the coding strand, the complement: CERKL is on the minus strand). VCF-style: chr2-181566101-C-T. GRCh37 (hg19) VCF-style: chr2-182430828-C-T.
Other names: c.634G>A, p.Ala212Thr (NM_001030311.3); c.502G>A, p.Ala168Thr (NM_001160277.2); c.482-16393G>A (NM_001030312.3); c.613+7652G>A (NM_001030313.3); short protein forms A212T, A168T.
Identifiers: ClinVar variation 1499858 (VCV001499858.4), dbSNP rs757547517, ClinGen allele CA2010744.